The following is an entry in ClinVar:

NC_000011.9:g.(?_108137888)_(108142143_?)del

Gene: ATM (ATM serine/threonine kinase; plus strand). Cytogenetic location: 11q22.3.
Variant type: Deletion.
Identifiers: ClinVar variation 3244460 (VCV003244460.1).

ClinVar aggregate classification (germline): Pathogenic (1 of 4 stars; one submission).

Conditions:
Ataxia-telangiectasia syndrome (AT). Also called: LOUIS-BAR SYNDROME; Cerebello-oculocutaneous telangiectasia; Immunodeficiency with ataxia telangiectasia; AT, COMPLEMENTATION GROUP C; Ataxia-telangiectasia, complementation group D; ATAXIA-TELANGIECTASIA, COMPLEMENTATION GROUP A. Identifiers: Orphanet 100, MedGen C0004135, MONDO:0008840, OMIM 208900.

Submission:

Labcorp Genetics (formerly Invitae), Labcorp
Classification: Pathogenic for Ataxia-telangiectasia syndrome. Last evaluated: 2023-02-15. Review status: criteria provided, single submitter. Criteria: Invitae Variant Classification Sherloc (09022015). Collection method: clinical testing. Allele origin: unknown.
Comment: This variant is a gross deletion of the genomic region encompassing exon(s) 17-20 of the ATM gene. This deletion is out-of-frame, and is expected to create a premature termination codon and result in an absent or disrupted protein product. Loss-of-function variants in ATM are known to be pathogenic (PMID: 23807571, 25614872). This variant has not been reported in the literature in individuals affected with ATM-related conditions. For these reasons, this variant has been classified as Pathogenic.

Literature cited by the submitters: PubMed 23807571; PubMed 25614872.